The following is an entry in ClinVar:

ClinVar aggregate classification (germline): Uncertain significance (1 of 4 stars; one submission).

Submission:

Labcorp Genetics (formerly Invitae), Labcorp
Classification: Uncertain significance. Last evaluated: 2025-05-13. Review status: criteria provided, single submitter. Criteria: Invitae Variant Classification Sherloc (09022015). Collection method: clinical testing. Allele origin: germline.
Comment: This sequence change replaces proline, which is neutral and non-polar, with leucine, which is neutral and non-polar, at codon 81 of the DDX41 protein (p.Pro81Leu). This variant is not present in population databases (gnomAD no frequency). This missense change has been observed in individual(s) with myeloid neoplasm (PMID: 36322930). An algorithm developed to predict the effect of missense changes on protein structure and function (PolyPhen-2) suggests that this variant is likely to be disruptive. In summary, the available evidence is currently insufficient to determine the role of this variant in disease. Therefore, it has been classified as a Variant of Uncertain Significance.

Literature cited by the submitters: PubMed 36322930.

NM_016222.4(DDX41):c.242C>T (p.Pro81Leu)

Gene: DDX41 (DEAD-box helicase 41; minus strand). Cytogenetic location: 5q35.3.
Variant type: single nucleotide variant.
Coding change: c.242C>T on transcript NM_016222.4 (MANE Select); coding-DNA position 242, C replaced by T.
Protein change: p.Pro81Leu; replaces proline 81 with leucine.
Molecular consequence: missense variant. On other transcripts: 5 prime UTR variant (2).
Genome position (GRCh38, 1-based): chr5:177,516,344, G>A on the plus strand (C>T on the coding strand, the complement: DDX41 is on the minus strand). VCF-style: chr5-177516344-G-A. GRCh37 (hg19) VCF-style: chr5-176943345-G-A.
Other names: c.-137C>T (NM_001321732.2, NM_001321830.2); short protein forms P81L.
Identifiers: ClinVar variation 4804642 (VCV004804642.1).